The following is an entry in ClinVar:

NM_000053.4(ATP7B):c.368C>A (p.Ala123Asp)

Gene: ATP7B (ATPase copper transporting beta; minus strand). Cytogenetic location: 13q14.3.
Variant type: single nucleotide variant.
Coding change: c.368C>A on transcript NM_000053.4 (MANE Select); coding-DNA position 368, C replaced by A.
Protein change: p.Ala123Asp; replaces alanine 123 with aspartic acid.
Molecular consequence: missense variant.
Genome position (GRCh38, 1-based): chr13:51,974,852, G>T on the plus strand (C>A on the coding strand, the complement: ATP7B is on the minus strand). VCF-style: chr13-51974852-G-T. GRCh37 (hg19) VCF-style: chr13-52548988-G-T.
Other names: c.368C>A, p.Ala123Asp (NM_001406534.1, NM_001406535.1, NM_001406537.1 and 30 more transcripts); c.272C>A, p.Ala91Asp (NM_001406536.1, NM_001406539.1, NM_001406543.1 and 4 more transcripts); short protein forms A123D, A91D.
Identifiers: ClinVar variation 4757649 (VCV004757649.1).

ClinVar aggregate classification (germline): Uncertain significance (1 of 4 stars; one submission).

Conditions:
Wilson disease (WND). Also called: Wilson's disease. Identifiers: Orphanet 905, MedGen C0019202, MONDO:0010200, OMIM 277900. Disease mechanism: loss of function.

Submission:

Color Diagnostics, LLC DBA Color Health
Classification: Uncertain significance for Wilson disease. Last evaluated: 2025-07-08. Review status: criteria provided, single submitter. Criteria: ACMG Guidelines, 2015. Collection method: clinical testing. Allele origin: germline.
Comment: This missense variant replaces alanine with aspartic acid at codon 123 of the ATP7B protein. Computational prediction suggests that this variant may have deleterious impact on protein structure and function. To our knowledge, functional studies have not been reported for this variant. This variant has not been reported in individuals affected with ATP7B-related disorders in the literature. This variant has not been identified in the general population by the Genome Aggregation Database (gnomAD). The available evidence is insufficient to determine the role of this variant in disease conclusively. Therefore, this variant is classified as a Variant of Uncertain Significance.